The following is an entry in ClinVar:

ClinVar aggregate classification (germline): Uncertain significance (1 of 4 stars; one submission).

Submission:

GeneDx
Classification: Uncertain significance. Last evaluated: 2017-01-04. Review status: criteria provided, single submitter. Criteria: GeneDx Variant Classification (06012015). Collection method: clinical testing. Allele origin: germline. Affected: yes.
Comment: The c.1834+1G>A variant in the CAMTA2 gene has not been reported previously as a pathogenic variant nor as a benign variant, to our knowledge. This splice site variant destroys the canonical splice donor site in intron 10. It is predicted to cause abnormal gene splicing, either leading to an abnormal message that is subject to nonsense-mediated mRNA decay, or to an abnormal protein product if the message is used for protein translation. The c.1834+1G>A variant was not observed in approximately 6500 individuals of European and African American ancestry in the NHLBI Exome Sequencing Project, indicating it is not a common benign variant in these populations. We interpret c.1834+1G>A as a variant of uncertain significance.

NM_015099.4(CAMTA2):c.1765+1G>A

Gene: CAMTA2 (calmodulin binding transcription activator 2; minus strand). Cytogenetic location: 17p13.2.
Variant type: single nucleotide variant.
Coding change: c.1765+1G>A on transcript NM_015099.4 (MANE Select); the canonical splice donor site of the intron after coding-DNA position 1765, G replaced by A.
Molecular consequence: splice donor variant.
Genome position (GRCh38, 1-based): chr17:4,978,503, C>T on the plus strand (G>A on the coding strand, the complement: CAMTA2 is on the minus strand). VCF-style: chr17-4978503-C-T. GRCh37 (hg19) VCF-style: chr17-4881798-C-T.
Other names: c.1771+1G>A (NM_001171166.2); c.1762+1G>A (NM_001171168.2); c.1834+1G>A (NM_001171167.2).
Identifiers: ClinVar variation 391986 (VCV000391986.2), dbSNP rs1057524315, ClinGen allele CA16607699.